The following is an entry in ClinVar:

NM_001330661.1(ZIC3):c.1224+3286A>G

Gene: ZIC3 (Zic family zinc finger 3; plus strand). Cytogenetic location: Xq26.3.
Variant type: single nucleotide variant.
Coding change: c.1224+3286A>G on transcript NM_001330661.1; 3286 bases into the intron after coding-DNA position 1224, A replaced by G.
Molecular consequence: intron variant.
Genome position (GRCh38, 1-based): chrX:137,572,351, A>G. VCF-style: chrX-137572351-A-G. GRCh37 (hg19) VCF-style: chrX-136654510-A-G.
Identifiers: ClinVar variation 3233415 (VCV003233415.2).
Genomic context (GRCh38, chrX:137,572,351, plus strand): 5'-CTTTGGAGGCTATTTTTTGTTAGTGGAGAATAATGGGGTCTTTTGCATTTTCTTCCACCA[A>G]TATCCAAGCCTGAATGCCATGAACAGAGATTGGGATGACTACACATGTGATGAGCAGGTA-3'

ClinVar aggregate classification (germline): Pathogenic (1 of 4 stars; one submission).

Conditions:
Heterotaxy, visceral, 1, X-linked (HTX1). Also called: SITUS INVERSUS, COMPLEX CARDIAC DEFECTS, AND SPLENIC DEFECTS, X-LINKED; DEXTROCARDIA WITH OTHER CARDIAC MALFORMATIONS; Laterality, X-linked; Visceral heterotaxia. Identifiers: Orphanet 450, MedGen C1844020, MONDO:0010607, OMIM 306955.

Submission:

Stephanie Ware Laboratory, Indiana University School of Medicine
Classification: Pathogenic for Heterotaxy, visceral, 1, X-linked. Last evaluated: 2024-03-31. Review status: criteria provided, single submitter. Criteria: ACMG Guidelines, 2015. Collection method: research, in vitro, in vivo. Allele origin: maternal, inherited, not applicable. Inheritance: X-linked recessive inheritance. Affected: yes and no. Observed: 5 heterozygotes, 2 hemizygotes. Clinical features observed: Heterotaxy (HP:0030853), Dextrocardia (HP:0001651), Congenital total pulmonary venous return anomaly (HP:0005160), Complete atrioventricular canal (HP:0001674), Double outlet right ventricle (HP:0001719), Subpulmonary stenosis (HP:0034348), Pulmonic stenosis (HP:0001642), Supraventricular tachycardia (HP:0004755), Right aortic arch (HP:0012020), Bilateral trilobed lung (HP:0011861), Abdominal situs ambiguus (HP:0031565), Asplenia (HP:0001746), and 13 more. Functional consequence: cryptic_splice_acceptor, loss_of_function_variant. Segregation with disease observed.
Comment: Based on the current American College of Medical Genetics and Genomics guidelines (PMID: 25741868; PMID: 38103548), the ZIC3 c.1224+3286A>G variant is pathogenic when assessed in the context of the novel experimental work performed herein: the family history of X-linked heterotaxy is highly specific for a disease with a single genetic etiology (PP4); the variant co-segregates with the disease in multiple affected individuals in a gene definitively known to cause disease (PP1_strong); it is absent from reference databases (PM2); multiple splicing prediction programs determined this variant would alter RNA splicing (PP3); and numerous in vitro and in vivo functional studies found this variant results in severe dysregulation of RNA splicing in the ZIC3 gene causing multiple novel isoforms with abnormal function (PS3).

Literature cited by the submitters: PubMed 39275801.